The following is an entry in ClinVar:

NM_000260.4(MYO7A):c.730C>T (p.Arg244Cys)

Gene: MYO7A (myosin VIIA; plus strand). Cytogenetic location: 11q13.5.
Variant type: single nucleotide variant.
Coding change: c.730C>T on transcript NM_000260.4 (MANE Select); coding-DNA position 730, C replaced by T.
Protein change: p.Arg244Cys; replaces arginine 244 with cysteine.
Molecular consequence: missense variant.
Genome position (GRCh38, 1-based): chr11:77,156,999, C>T. VCF-style: chr11-77156999-C-T. GRCh37 (hg19) VCF-style: chr11-76868045-C-T.
Other names: c.730C>T, p.Arg244Cys (NM_001127180.2); c.697C>T, p.Arg233Cys (NM_001369365.1); short protein forms R233C, R244C.
Identifiers: ClinVar variation 2637024 (VCV002637024.2), dbSNP rs373942326, ClinGen allele CA6197224.

ClinVar aggregate classification (germline): Likely pathogenic. Review status: criteria provided, multiple submitters, no conflicts (2 of 4 stars). 2 submissions from 2 submitters: Likely pathogenic (2). Last evaluated 2025-11-12.

Conditions:
Usher syndrome type 1B (USH1B). Also called: Usher syndrome type IB. Identifiers: MedGen C1848638, MONDO:0700087.
MYO7A-related disorder. Also called: MYO7A-related disorders.

Allele frequency attached by ClinVar (database versions not stated): gnomAD 0.00001; ExAC 0.00002; gnomAD exomes 0.00002; TOPMed 0.00003; ESP Exome Variant Server 0.00008.
gnomAD v4.1: 11 of 1,612,616 alleles (0.00068%); highest among the groups gnomAD compares: Non-Finnish European, 0.00059%; no homozygotes.

Submissions (2):

Natera, Inc.
Classification: Likely pathogenic for Usher syndrome type 1B. Last evaluated: 2025-11-12. Review status: criteria provided, single submitter. Criteria: Natera Variant Classification Schema (03/2026). Collection method: clinical testing. Allele origin: germline.
Comment: The c.730C>T variant in MYO7A is a missense variant predicted to cause substitution of arginine to cysteine at amino acid 244. This variant is rare in the general population with a frequency below the threshold expected for the associated phenotype(s). This variant has been observed in one or more individuals affected with the associated recessive disease, as either homozygous or compound heterozygous with a second variant (PMID: 32467589). A different variant at the same position has been determined to be Pathogenic or Likely Pathogenic. Computational prediction algorithms indicate this variant is likely to affect gene or protein function. Given the available evidence, this variant is classified as Likely Pathogenic.

PreventionGenetics, part of Exact Sciences
Classification: Likely pathogenic for MYO7A-related condition. Last evaluated: 2022-09-21. Review status: criteria provided, single submitter. Criteria: ACMG Guidelines, 2015. Collection method: clinical testing. Allele origin: germline.
Comment: The MYO7A c.730C>T variant is predicted to result in the amino acid substitution p.Arg244Cys. This variant was reported in the compound heterozygous state in an individual with severe, sporadic deafness (D1790-1, He et al. 2018. PubMed ID: 29178603) and in the presumed compound heterozygous state in another individual with non-syndromic hearing loss (SNHL5, Cesca et al. 2020. PubMed ID: 32467589). This variant is reported in 0.020% of alleles in individuals of Ashkenazi Jewish descent in gnomAD. Taken together, this variant is interpreted as likely pathogenic.

Literature cited by the submitters: PubMed 32467589 (cited by Natera, Inc.).